The following is an entry in ClinVar:

NM_000441.2(SLC26A4):c.1817del (p.Ser606fs)

Gene: SLC26A4 (solute carrier family 26 member 4; plus strand). Cytogenetic location: 7q22.3.
Variant type: Deletion.
Coding change: c.1817del on transcript NM_000441.2 (MANE Select); coding-DNA position 1817, one base deleted (G; older notation c.1817delG).
Protein change: p.Ser606fs; shifts the reading frame from serine 606.
Molecular consequence: frameshift variant.
Genome position (GRCh38, 1-based): chr7:107,701,840, G deleted. VCF-style (leftmost placement, unchanged base first): chr7-107701839-AG-A. GRCh37 (hg19) VCF-style: chr7-107342284-AG-A.
Other names: short protein forms S606fs.
Identifiers: ClinVar variation 3601752 (VCV003601752.1).

ClinVar aggregate classification (germline): Pathogenic (1 of 4 stars; one submission).

Conditions:
Autosomal recessive nonsyndromic hearing loss 4 (DFNB4). Also called: Deafness, autosomal recessive 4; FOXI1-Related Pendred Syndrome; KCNJ10-Related Pendred Syndrome; DEAFNESS, AUTOSOMAL RECESSIVE 4, WITH ENLARGED VESTIBULAR AQUEDUCT, DIGENIC; NEUROSENSORY NONSYNDROMIC RECESSIVE DEAFNESS 4; Nonsyndromic enlarged vestibular aqueduct (NSEVA). Identifiers: Orphanet 90636, MedGen C3538946, MONDO:0010933, OMIM 600791.

Submission:

Institute of Rare Diseases, West China Hospital, Sichuan University
Classification: Pathogenic for Autosomal recessive nonsyndromic hearing loss 4. Last evaluated: 2025-01-09. Review status: criteria provided, single submitter. Criteria: ClinGen HL ACMG Specifications v1. Collection method: research. Allele origin: germline. Affected: yes.
Comment: PVS1;PM3;PM2_Supporting